The following is an entry in ClinVar:

ClinVar aggregate classification (germline): association (0 of 4 stars; one submission).

Conditions:
appendicular lean mass relative to body height. Identifiers: MedGen CN228655.

Allele frequency attached by ClinVar (database versions not stated): 1000 Genomes Project 30x 0.47673; gnomAD 0.38462 and 0.37808; TOPMed 0.40419; 1000 Genomes Project 0.46705.
gnomAD v4.1: 57,223 of 152,178 alleles (38%); highest among the groups gnomAD compares: African/African-American, 84%; 17,458 homozygotes.

Submission:

Human Population Biology Research Unit, Department of Anatomy and Anthropology, Sackler Faculty of Medicine, Tel Aviv University
Classification: association for appendicular lean mass relative to body height. Review status: no assertion criteria provided. Criteria: reference population. Collection method: reference population. Allele origin: unknown. Affected: yes. Study: TwinsUK.
Comment: X12063 is an endogenous molecule, one of 360 metabolites identified by Metabolon Inc. using ultrahigh performance liquid chromatography and mass spectrometry. X12063 circulating levels were highly significantly associated with skeletal muscle mass, as assessed by appendicular lean mass relative to body height (p=2.85E-42). GWAS demonstrated that X12063 was associated with 7q22.1 genomic region with top p-value 4.987E-50 for SNP rs4646450:G>A.

NM_000777.5(CYP3A5):c.319-1630C>T

Genes: CYP3A5 (cytochrome P450 family 3 subfamily A member 5; minus strand), ZSCAN25 (zinc finger and SCAN domain containing 25; plus strand). Cytogenetic location: 7q22.1.
Variant type: single nucleotide variant.
Coding change: c.319-1630C>T on transcript NM_000777.5 (MANE Select); 1630 bases into the intron before coding-DNA position 319, C replaced by T.
Molecular consequence: intron variant. On other transcripts: 3 prime UTR variant (1).
Genome position (GRCh38, 1-based): chr7:99,668,695, G>A on the plus strand (C>T on the coding strand, the complement: CYP3A5 is on the minus strand). VCF-style: chr7-99668695-G-A. GRCh37 (hg19) VCF-style: chr7-99266318-G-A.
Other names: chr7:99104254G>A; c.*3079C>T (NM_001190484.3); c.806-400G>A (NM_001350985.2, NM_001350984.2); c.289-1630C>T (NM_001291830.2); c.-21-1630C>T (NM_001291829.2).
Identifiers: ClinVar variation 187819 (VCV000187819.5), dbSNP rs4646450, ClinGen allele CA198540.
Genomic context (GRCh38, chr7:99,668,695, plus strand): 5'-GCAAGAAGAAATTAAAAGCCATTAAAATTAACTAACAAAGAGCGAGAGGACGCTATTGCA[G>A]TGCCACGTGAAGTGAATTGTGACAAAGAATTCAAGTGTGTATTCTGGACAAGGCAGAGCG-3'